The following is an entry in ClinVar:

ClinVar aggregate classification (germline): Likely benign (1 of 4 stars; one submission).

Allele frequency attached by ClinVar (database versions not stated): 1000 Genomes Project 0.00120; 1000 Genomes Project 30x 0.00141; ESP Exome Variant Server 0.00154.
gnomAD v4.1: 3,135 of 1,586,528 alleles (0.2%); highest among the groups gnomAD compares: Admixed American, 0.3%; 6 homozygotes.

Submission:

CeGaT Center for Human Genetics Tuebingen
Classification: Likely benign. Last evaluated: 2023-04-01. Review status: criteria provided, single submitter. Criteria: CeGaT Center For Human Genetics Tuebingen Variant Classification Criteria Version 2. Collection method: clinical testing. Allele origin: germline. Affected: yes. Observed: 1 variant allele.
Comment: SCAF1: BP4, BP7

NM_021228.3(SCAF1):c.3255C>G (p.Pro1085=)

Gene: SCAF1 (SR-related CTD associated factor 1; plus strand). Cytogenetic location: 19q13.33.
Variant type: single nucleotide variant.
Coding change: c.3255C>G on transcript NM_021228.3 (MANE Select); coding-DNA position 3255, C replaced by G.
Protein change: p.Pro1085=; no amino-acid change (proline 1085 retained).
Molecular consequence: synonymous variant.
Genome position (GRCh38, 1-based): chr19:49,653,644, C>G. VCF-style: chr19-49653644-C-G. GRCh37 (hg19) VCF-style: chr19-50156901-C-G.
Identifiers: ClinVar variation 2650279 (VCV002650279.24), dbSNP rs201476531, ClinGen allele CA9579959.
Genomic context (GRCh38, chr19:49,653,644, plus strand): 5'-CGGTGACTCGGGGGCGGAGGACGGGCCAGCTTCCCGTGTCTCCCAGCTGCCCACGTTGCC[C>G]CCGCCCATGCCCTGGAATCTGCCAGCTGGTGTGGACTGCACCACCAGCGGCGTCCTGGCC-3'
Protein context (NP_067051.2, residues 1075-1095): ASRVSQLPTL[Pro1085=]PPMPWNLPAG